The following is an entry in ClinVar:

ClinVar aggregate classification (germline): Uncertain significance (1 of 4 stars; one submission).

Allele frequency attached by ClinVar (database versions not stated): gnomAD exomes 0.00003 and 0.00007; ExAC 0.00007; ESP Exome Variant Server 0.00008; gnomAD 0.00011 and 0.00013; TOPMed 0.00015; 1000 Genomes Project 0.00060; 1000 Genomes Project 30x 0.00062.

Submission:

Labcorp Genetics (formerly Invitae), Labcorp
Classification: Uncertain significance. Last evaluated: 2026-01-14. Review status: criteria provided, single submitter. Criteria: Invitae Variant Classification Sherloc (09022015). Collection method: clinical testing. Allele origin: germline.
Comment: This sequence change replaces glycine, which is neutral and non-polar, with arginine, which is basic and polar, at codon 281 of the ZNF513 protein (p.Gly281Arg). This variant is present in population databases (rs145436107, gnomAD 0.06%), and has an allele count higher than expected for a pathogenic variant. This variant has not been reported in the literature in individuals affected with ZNF513-related conditions. ClinVar contains an entry for this variant (Variation ID: 1023860). An algorithm developed to predict the effect of missense changes on protein structure and function (PolyPhen-2) suggests that this variant is likely to be disruptive. In summary, the available evidence is currently insufficient to determine the role of this variant in disease. Therefore, it has been classified as a Variant of Uncertain Significance.

NM_144631.6(ZNF513):c.841G>C (p.Gly281Arg)

Gene: ZNF513 (zinc finger protein 513; minus strand). Cytogenetic location: 2p23.3.
Variant type: single nucleotide variant.
Coding change: c.841G>C on transcript NM_144631.6 (MANE Select); coding-DNA position 841, G replaced by C.
Protein change: p.Gly281Arg; replaces glycine 281 with arginine.
Molecular consequence: missense variant.
Genome position (GRCh38, 1-based): chr2:27,378,330, C>G on the plus strand (G>C on the coding strand, the complement: ZNF513 is on the minus strand). VCF-style: chr2-27378330-C-G. GRCh37 (hg19) VCF-style: chr2-27601197-C-G.
Other names: c.655G>C, p.Gly219Arg (NM_001201459.2); short protein forms G219R, G281R.
Identifiers: ClinVar variation 1023860 (VCV001023860.9), dbSNP rs145436107, ClinGen allele CA1577926.